The following is an entry in ClinVar:

NM_133459.4(CCBE1):c.*3475G>C

Gene: CCBE1 (collagen and calcium binding EGF domains 1; minus strand). Cytogenetic location: 18q21.32.
Variant type: single nucleotide variant.
Coding change: c.*3475G>C on transcript NM_133459.4 (MANE Select); 3475 bases downstream of the stop codon, G replaced by C.
Molecular consequence: 3 prime UTR variant.
Genome position (GRCh38, 1-based): chr18:59,432,433, C>G on the plus strand (G>C on the coding strand, the complement: CCBE1 is on the minus strand). VCF-style: chr18-59432433-C-G. GRCh37 (hg19) VCF-style: chr18-57099665-C-G.
Other names: c.*3475G>C (LRG_1209t1).
Identifiers: ClinVar variation 327612 (VCV000327612.6), dbSNP rs17769805, ClinGen allele CA10641946.

ClinVar aggregate classification (germline): Benign. Review status: criteria provided, multiple submitters, no conflicts (2 of 4 stars). 2 submissions from 2 submitters: Benign (2). Last evaluated 2018-01-13.

Conditions:
Hennekam lymphangiectasia-lymphedema syndrome 1 (HKLLS1). Also called: LYMPHATIC DYSPLASIA, GENERALIZED. Identifiers: Orphanet 2136, MedGen C4012050, MONDO:0009337, OMIM 235510.

Allele frequency attached by ClinVar (database versions not stated): TOPMed 0.02685; 1000 Genomes Project 30x 0.01889; 1000 Genomes Project 0.01777.

Submissions (2):

Illumina Laboratory Services, Illumina
Classification: Benign for Hennekam lymphangiectasia-lymphedema syndrome 1. Last evaluated: 2018-01-13. Review status: criteria provided, single submitter. Criteria: ICSL Variant Classification Criteria 13 December 2019. Collection method: clinical testing. Allele origin: germline.
Comment: This variant was observed in the ICSL laboratory as part of a predisposition screen in an ostensibly healthy population. It had not been previously curated by ICSL or reported in the Human Gene Mutation Database (HGMD: prior to June 1st, 2018), and was therefore a candidate for classification through an automated scoring system. Utilizing variant allele frequency, disease prevalence and penetrance estimates, and inheritance mode, an automated score was calculated to assess if this variant is too frequent to cause the disease. Based on the score and internal cut-off values, a variant classified as benign is not then subjected to further curation. The score for this variant resulted in a classification of benign for this disease.

Breakthrough Genomics
Classification: Benign. Review status: criteria provided, single submitter. Criteria: ACMG Guidelines, 2015. Collection method: not provided. Allele origin: germline. Inheritance: Autosomal recessive inheritance. Affected: yes.